The following is an entry in ClinVar:

ClinVar aggregate classification (germline): Likely pathogenic (1 of 4 stars; one submission).

Submission:

GeneDx
Classification: Likely pathogenic. Last evaluated: 2026-07-07. Review status: criteria provided, single submitter. Criteria: GeneDx Variant Classification Process June 2021. Collection method: clinical testing. Allele origin: germline.
Comment: Not observed at significant frequency in large population cohorts (gnomAD); In silico analysis supports that this missense variant has a deleterious effect on protein structure/function; This variant is associated with the following publications: (PMID: 37010288, 31239556, 36454652)

NM_006565.4(CTCF):c.847C>T (p.Arg283Cys)

Gene: CTCF (CCCTC-binding factor; plus strand). Cytogenetic location: 16q22.1.
Variant type: single nucleotide variant.
Coding change: c.847C>T on transcript NM_006565.4 (MANE Select); coding-DNA position 847, C replaced by T.
Protein change: p.Arg283Cys; replaces arginine 283 with cysteine.
Molecular consequence: missense variant. On other transcripts: intron variant (1).
Genome position (GRCh38, 1-based): chr16:67,612,016, C>T. VCF-style: chr16-67612016-C-T. GRCh37 (hg19) VCF-style: chr16-67645919-C-T.
Other names: c.847C>T, p.Arg283Cys (NM_001363916.2); c.-32-4729C>T (NM_001191022.2); short protein forms R283C.
Identifiers: ClinVar variation 3365893 (VCV003365893.2).